The following is an entry in ClinVar:

NM_001164508.2(NEB):c.20537A>G (p.Glu6846Gly)

Gene: NEB (nebulin; minus strand). Cytogenetic location: 2q23.3.
Variant type: single nucleotide variant.
Coding change: c.20537A>G on transcript NM_001164508.2 (MANE Select); coding-DNA position 20537, A replaced by G.
Protein change: p.Glu6846Gly; replaces glutamic acid 6846 with glycine.
Molecular consequence: missense variant.
Genome position (GRCh38, 1-based): chr2:151,545,928, T>C on the plus strand (A>G on the coding strand, the complement: NEB is on the minus strand). VCF-style: chr2-151545928-T-C. GRCh37 (hg19) VCF-style: chr2-152402442-T-C.
Other names: c.20537A>G, p.Glu6846Gly (NM_001164507.2, NM_001271208.2); c.15434A>G, p.Glu5145Gly (NM_004543.5); short protein forms E5145G, E6846G.
Identifiers: ClinVar variation 2442449 (VCV002442449.1), dbSNP rs749302235, ClinGen allele CA348779980.
Genomic context (GRCh38, chr2:151,545,928, plus strand): 5'-GACAAGTAAAGCGTCCTTACCTCACTCAGATGTGTCTTCAGTTCTTGCACTTTTCTGTAT[T>C]CTGGAGTGTCAAGCACCACTTTGTATTTGTCTCGCATCTTCCTTGCCTTATCAGTGTATA-3'
Protein context (NP_001157980.2, residues 6836-6856): DKYKVVLDTP[Glu6846Gly]YRKVQELKTH

ClinVar aggregate classification (germline): Uncertain significance (1 of 4 stars; one submission).

Submission:

GeneDx
Classification: Uncertain significance. Last evaluated: 2022-08-26. Review status: criteria provided, single submitter. Criteria: GeneDx Variant Classification Process June 2021. Collection method: clinical testing. Allele origin: germline. Affected: yes.
Comment: Not observed at significant frequency in large population cohorts (gnomAD); In silico analysis supports that this missense variant has a deleterious effect on protein structure/function; Has not been previously published as pathogenic or benign to our knowledge